The following is an entry in ClinVar:

NM_033656.4(BRWD1):c.467A>G (p.Lys156Arg)

Gene: BRWD1 (bromodomain and WD repeat domain containing 1; minus strand). Cytogenetic location: 21q22.2.
Variant type: single nucleotide variant.
Coding change: c.467A>G on transcript NM_033656.4 (MANE Select); coding-DNA position 467, A replaced by G.
Protein change: p.Lys156Arg; replaces lysine 156 with arginine.
Molecular consequence: missense variant.
Genome position (GRCh38, 1-based): chr21:39,295,885, T>C on the plus strand (A>G on the coding strand, the complement: BRWD1 is on the minus strand). VCF-style: chr21-39295885-T-C. GRCh37 (hg19) VCF-style: chr21-40667811-T-C.
Other names: c.467A>G, p.Lys156Arg (NM_018963.5); short protein forms K156R.
Identifiers: ClinVar variation 3053846 (VCV003053846.2), dbSNP rs73903910, ClinGen allele CA10027739.
Genomic context (GRCh38, chr21:39,295,885, plus strand): 5'-ATATGCTGATACATAGTTCCTGGAAATGCTGTACTAAAAGTGGAACACCCTGTGAGTTGT[T>C]TTCCTCGATGTATCTCCACTAGGAAATAAAAACAATGAAAATGGTTAAGGGAGAGCCAAT-3'
Protein context (NP_387505.1, residues 146-166): PPNLVEIHRG[Lys156Arg]QLTGCSTFST

ClinVar aggregate classification (germline): Likely benign (0 of 4 stars; one submission).

Conditions:
BRWD1-related disorder. Also called: BRWD1-related condition.

Allele frequency attached by ClinVar (database versions not stated): gnomAD exomes 0.00016; ExAC 0.00056; gnomAD 0.00167; TOPMed 0.00175; ESP Exome Variant Server 0.00185; 1000 Genomes Project 0.00220; 1000 Genomes Project 30x 0.00234.
gnomAD v4.1: 505 of 1,600,656 alleles (0.032%); highest among the groups gnomAD compares: African/African-American, 0.58%; 1 homozygote.

Submission:

PreventionGenetics, part of Exact Sciences
Classification: Likely benign for BRWD1-related condition. Last evaluated: 2019-11-11. Review status: no assertion criteria provided. Collection method: clinical testing. Allele origin: germline.
Comment: This variant is classified as likely benign based on ACMG/AMP sequence variant interpretation guidelines (Richards et al. 2015 PMID: 25741868, with internal and published modifications).